The following is an entry in ClinVar:

NM_020232.5(PSMG2):c.681G>T (p.Trp227Cys)

Gene: PSMG2 (proteasome assembly chaperone 2; plus strand). Cytogenetic location: 18p11.21.
Variant type: single nucleotide variant.
Coding change: c.681G>T on transcript NM_020232.5 (MANE Select); coding-DNA position 681, G replaced by T.
Protein change: p.Trp227Cys; replaces tryptophan 227 with cysteine.
Molecular consequence: missense variant.
Genome position (GRCh38, 1-based): chr18:12,724,598, G>T. VCF-style: chr18-12724598-G-T. GRCh37 (hg19) VCF-style: chr18-12724597-G-T.
Other names: c.588G>T, p.Trp196Cys (NM_147163.2); short protein forms W196C, W227C.
Identifiers: ClinVar variation 2049092 (VCV002049092.4), dbSNP rs2510998853, ClinGen allele CA401970902.
Genomic context (GRCh38, chr18:12,724,598, plus strand): 5'-TGTTTCAGAAGGGGACAACATCCCAGATGCATTAGGTCTTGTTGAGTATCTTAATGAGTG[G>T]CTTCAGATACTCAAACCACTTGTAAGTTCTATTATAGCTTAAGCCTCTTCTTTGTCTGGT-3'
Protein context (NP_064617.2, residues 217-237): ALGLVEYLNE[Trp227Cys]LQILKPLSDD

ClinVar aggregate classification (germline): Uncertain significance (1 of 4 stars; one submission).

Submission:

Labcorp Genetics (formerly Invitae), Labcorp
Classification: Uncertain significance. Last evaluated: 2021-12-19. Review status: criteria provided, single submitter. Criteria: Invitae Variant Classification Sherloc (09022015). Collection method: clinical testing. Allele origin: germline.
Comment: This variant is not present in population databases (gnomAD no frequency). In summary, the available evidence is currently insufficient to determine the role of this variant in disease. Therefore, it has been classified as a Variant of Uncertain Significance. Algorithms developed to predict the effect of missense changes on protein structure and function are either unavailable or do not agree on the potential impact of this missense change (SIFT: "Deleterious"; PolyPhen-2: "Probably Damaging"; Align-GVGD: "Class C0"). This variant has not been reported in the literature in individuals affected with PSMG2-related conditions. This sequence change replaces tryptophan, which is neutral and slightly polar, with cysteine, which is neutral and slightly polar, at codon 227 of the PSMG2 protein (p.Trp227Cys).